The following is an entry in ClinVar:

NM_001036.6(RYR3):c.6601T>C (p.Phe2201Leu)

Gene: RYR3 (ryanodine receptor 3; plus strand). Cytogenetic location: 15q14.
Variant type: single nucleotide variant.
Coding change: c.6601T>C on transcript NM_001036.6 (MANE Select); coding-DNA position 6601, T replaced by C.
Protein change: p.Phe2201Leu; replaces phenylalanine 2201 with leucine.
Molecular consequence: missense variant.
Genome position (GRCh38, 1-based): chr15:33,707,036, T>C. VCF-style: chr15-33707036-T-C. GRCh37 (hg19) VCF-style: chr15-33999237-T-C.
Other names: c.6601T>C, p.Phe2201Leu (NM_001243996.4); short protein forms F2201L.
Identifiers: ClinVar variation 530974 (VCV000530974.7), dbSNP rs1462237800, ClinGen allele CA391585845.
Genomic context (GRCh38, chr15:33,707,036, plus strand): 5'-GGATACCCTGATGTCGGCTGGAACCCCATTGAAGGGGAACGCTACCTGTCCTTCCTGAGG[T>C]TTGCTGTCTTCGTGAACAGTGAGTCCCACATTTTTCCATACCTCTTATACCCAGAATAGC-3'
Protein context (NP_001027.3, residues 2191-2211): EGERYLSFLR[Phe2201Leu]AVFVNSESVE

ClinVar aggregate classification (germline): Uncertain significance (1 of 4 stars; one submission).

Conditions:
Epileptic encephalopathy. Identifiers: MedGen C0543888, HP:0200134.

Allele frequency attached by ClinVar (database versions not stated): gnomAD exomes below 0.00001; TOPMed below 0.00001.
gnomAD v4.1: 3 of 1,613,918 alleles (0.00019%); highest among the groups gnomAD compares: Admixed American, 0.0033%; no homozygotes.

Submission:

Labcorp Genetics (formerly Invitae), Labcorp
Classification: Uncertain significance for Epileptic encephalopathy. Last evaluated: 2017-12-27. Review status: criteria provided, single submitter. Criteria: Invitae Variant Classification Sherloc (09022015). Collection method: clinical testing. Allele origin: germline.
Comment: In summary, the available evidence is currently insufficient to determine the role of this variant in disease. Therefore, it has been classified as a Variant of Uncertain Significance. Algorithms developed to predict the effect of missense changes on protein structure and function do not agree on the potential impact of this missense change (SIFT: "Deleterious"; PolyPhen-2: "Probably Damaging"; Align-GVGD: "Class C15"). This variant has not been reported in the literature in individuals with RYR3-related disease. This variant is not present in population databases (ExAC no frequency). This sequence change replaces phenylalanine with leucine at codon 2201 of the RYR3 protein (p.Phe2201Leu). The phenylalanine residue is highly conserved and there is a small physicochemical difference between phenylalanine and leucine.